The following is an entry in ClinVar:

ClinVar aggregate classification (germline): Pathogenic. Review status: reviewed by expert panel (3 of 4 stars). 8 submissions from 8 submitters: Pathogenic (1). 7 of the submissions do not count toward it. Last evaluated 2016-09-08.

Conditions:
Hereditary cancer-predisposing syndrome. Also called: Tumor predisposition; Neoplastic Syndromes, Hereditary; Hereditary Cancer Syndrome; Hereditary neoplastic syndrome. Identifiers: Orphanet 140162, MedGen C0027672, MeSH D009386, MONDO:0015356.
Hereditary breast ovarian cancer syndrome. Also called: Hereditary breast and ovarian cancer syndrome (HBOC); Hereditary breast and ovarian cancer syndrome; Hereditary breast and ovarian cancer; Hereditary breast and/or ovarian cancer syndrome; Breast and ovarian cancer; BRCA1- and BRCA2-Associated Hereditary Breast and Ovarian Cancer. Identifiers: Orphanet 145, MedGen C0677776, MeSH D061325, MONDO:0003582. Disease mechanism: loss of function.
Breast-ovarian cancer, familial, susceptibility to, 1 (BROVCA1). Also called: OVARIAN CANCER, SUSCEPTIBILITY TO; BRCA1 Hereditary Breast and Ovarian Cancer. Identifiers: Orphanet 145, MedGen C2676676, MONDO:0011450, OMIM 604370. Disease mechanism: loss of function.

Submissions (8):

Evidence-based Network for the Interpretation of Germline Mutant Alleles (ENIGMA)
Classification: Pathogenic for Breast-ovarian cancer, familial, susceptibility to, 1. Last evaluated: 2016-09-08. Review status: reviewed by expert panel. Criteria: ENIGMA BRCA1/2 Classification Criteria (2015). Collection method: curation. Allele origin: germline.
Comment: Variant allele predicted to encode a truncated non-functional protein.

GeneDx
Classification: Pathogenic. Last evaluated: 2026-03-06. Review status: criteria provided, single submitter. Criteria: GeneDx Variant Classification Process June 2021. Collection method: clinical testing. Allele origin: germline. Not counted in ClinVar's aggregate classification.
Comment: Frameshift variant predicted to result in protein truncation or nonsense mediated decay in a gene for which loss of function is a known mechanism of disease; Truncating variants in this gene are considered pathogenic by a well-established clinical consortium and/or database; Not observed at significant frequency in large population cohorts (gnomAD); Also known as 409_410del; This variant is associated with the following publications: (PMID: 15951958, 31742824, 29446198)

Labcorp Genetics (formerly Invitae), Labcorp
Classification: Pathogenic for Hereditary breast ovarian cancer syndrome. Last evaluated: 2024-02-01. Review status: criteria provided, single submitter. Criteria: Invitae Variant Classification Sherloc (09022015). Collection method: clinical testing. Allele origin: germline. Not counted in ClinVar's aggregate classification.
Comment: This sequence change creates a premature translational stop signal (p.Thr97Argfs*9) in the BRCA1 gene. It is expected to result in an absent or disrupted protein product. Loss-of-function variants in BRCA1 are known to be pathogenic (PMID: 20104584). This variant is not present in population databases (gnomAD no frequency). This premature translational stop signal has been observed in individual(s) with BRCA1-related conditions (PMID: 15951958, 31742824). This variant is also known as c.409_410del. ClinVar contains an entry for this variant (Variation ID: 54712). Algorithms developed to predict the effect of sequence changes on RNA splicing suggest that this variant may disrupt the consensus splice site. For these reasons, this variant has been classified as Pathogenic.

Ambry Genetics
Classification: Pathogenic for Hereditary cancer-predisposing syndrome. Last evaluated: 2022-12-20. Review status: criteria provided, single submitter. Criteria: Ambry Variant Classification Scheme 2023. Collection method: clinical testing. Allele origin: germline. Not counted in ClinVar's aggregate classification.
Comment: The c.290_291delCA pathogenic mutation, located in coding exon 4 of the BRCA1 gene, results from a deletion of two nucleotides at nucleotide positions 290 to 291, causing a translational frameshift with a predicted alternate stop codon (p.T97Rfs*9). This alteration was identified in a large, worldwide study of BRCA1/2 mutation positive families (Rebbeck TR et al. Hum. Mutat., 2018 05;39:593-620). This alteration is expected to result in loss of function by premature protein truncation or nonsense-mediated mRNA decay. As such, this alteration is interpreted as a disease-causing mutation.

Clinical Genetics and Genomics, Karolinska University Hospital
Classification: Pathogenic. Last evaluated: 2017-01-20. Review status: criteria provided, single submitter. Criteria: ACMG Guidelines, 2015. Collection method: clinical testing. Allele origin: germline. Affected: yes. Observed: 1 variant allele. Not counted in ClinVar's aggregate classification.

Consortium of Investigators of Modifiers of BRCA1/2 (CIMBA), c/o University of Cambridge
Classification: Pathogenic for Breast-ovarian cancer, familial, susceptibility to, 1. Last evaluated: 2015-10-02. Review status: criteria provided, single submitter. Criteria: CIMBA Mutation Classification guidelines May 2016. Collection method: clinical testing. Allele origin: germline. Not counted in ClinVar's aggregate classification.

BRCAlab, Lund University
Classification: Pathogenic for Breast-ovarian cancer, familial, susceptibility to, 1. Last evaluated: 2020-03-02. Review status: no assertion criteria provided. Collection method: clinical testing. Allele origin: germline. Affected: yes. Not counted in ClinVar's aggregate classification.

Breast Cancer Information Core (BIC) (BRCA1)
Classification: Pathogenic for Breast-ovarian cancer, familial 1. Last evaluated: 2004-11-25. Review status: no assertion criteria provided. Collection method: clinical testing. Allele origin: germline. Affected: yes. Observed: 1 variant allele. Not counted in ClinVar's aggregate classification.

Literature cited by the submitters: PubMed 20104584 (cited by Labcorp Genetics (formerly Invitae), Labcorp); PubMed 15951958 (cited by Labcorp Genetics (formerly Invitae), Labcorp); PubMed 31742824 (cited by Labcorp Genetics (formerly Invitae), Labcorp); PubMed 29446198 (cited by Ambry Genetics).

NM_007294.4(BRCA1):c.290_291del (p.Thr97fs)

Gene: BRCA1 (BRCA1 DNA repair associated; minus strand). Cytogenetic location: 17q21.31.
Variant type: Microsatellite.
Coding change: c.290_291del on transcript NM_007294.4 (MANE Select); coding-DNA positions 290 to 291, 2 bases deleted (CA; older notation c.290_291delCA).
Protein change: p.Thr97fs; shifts the reading frame from threonine 97.
Molecular consequence: frameshift variant. On other transcripts: non-coding transcript variant (1).
Genome position (GRCh38, 1-based): chr17:43,104,878-43,104,879, TG deleted on the plus strand (CA on the coding strand, the reverse complement: BRCA1 is on the minus strand); deleting any 2 consecutive bases within chr17:43,104,878-43,104,882 gives the same sequence; the c. name uses the placement nearest the transcript's 3' end. VCF-style (leftmost placement, unchanged base first): chr17-43104877-CTG-C. GRCh37 (hg19) VCF-style: chr17-41256894-CTG-C.
Other names: 409delCA; c.290_291delCA (NM_007294.3); c.146_147AC[1], p.Thr50Argfs (NM_001407730.1, NM_001407731.1, NM_001407732.1 and 98 more transcripts); c.77_78AC[1], p.Thr27Argfs (NM_001407853.1, NM_001407879.1, NM_001407881.1 and 58 more transcripts); c.287_288AC[1], p.Thr97Argfs (NM_001407854.1, NM_001407858.1, NM_001407859.1 and 166 more transcripts); c.209_210AC[1], p.Thr71Argfs (NM_001407862.1, NM_001407874.1, NM_001407875.1 and 21 more transcripts); c.-95_-94AC[1] (NM_001407959.1, NM_001407960.1, NM_001407962.1 and 4 more transcripts); c.155_156AC[1], p.Thr53Argfs (NM_001408451.1); and 2 more; short protein forms T50fs, T97fs.
Identifiers: ClinVar variation 54712 (VCV000054712.15), dbSNP rs80357738, ClinGen allele CA001890.